The following is an entry in ClinVar:

ClinVar aggregate classification (germline): Uncertain significance. Review status: criteria provided, multiple submitters, no conflicts (2 of 4 stars). 2 submissions from 2 submitters: Uncertain significance (2). Last evaluated 2024-12-10.

Conditions:
Multiple sulfatase deficiency (MSD). Also called: Mucosulfatidosis; Multiple Sulfatase Deficiency Disease; Sulfatidosis, Juvenile, Austin Type. Identifiers: Orphanet 585, MedGen C0268263, MONDO:0010088, OMIM 272200.
Inborn genetic diseases. Identifiers: MedGen C0950123, MeSH D030342.

Allele frequency attached by ClinVar (database versions not stated): ESP Exome Variant Server 0.00015.
gnomAD v4.1: 67 of 1,613,902 alleles (0.0042%); highest among the groups gnomAD compares: African/African-American, 0.051%; no homozygotes.

Submissions (2):

Labcorp Genetics (formerly Invitae), Labcorp
Classification: Uncertain significance for Multiple sulfatase deficiency. Last evaluated: 2024-12-10. Review status: criteria provided, single submitter. Criteria: Invitae Variant Classification Sherloc (09022015). Collection method: clinical testing. Allele origin: germline.
Comment: This sequence change replaces proline, which is neutral and non-polar, with leucine, which is neutral and non-polar, at codon 202 of the SUMF1 protein (p.Pro202Leu). This variant is present in population databases (rs147775545, gnomAD 0.02%). This variant has not been reported in the literature in individuals affected with SUMF1-related conditions. ClinVar contains an entry for this variant (Variation ID: 2081400). Invitae Evidence Modeling of protein sequence and biophysical properties (such as structural, functional, and spatial information, amino acid conservation, physicochemical variation, residue mobility, and thermodynamic stability) indicates that this missense variant is not expected to disrupt SUMF1 protein function with a negative predictive value of 95%. In summary, the available evidence is currently insufficient to determine the role of this variant in disease. Therefore, it has been classified as a Variant of Uncertain Significance.

Ambry Genetics
Classification: Uncertain significance for Inborn genetic diseases. Last evaluated: 2024-02-21. Review status: criteria provided, single submitter. Criteria: Ambry Variant Classification Scheme 2023. Collection method: clinical testing. Allele origin: germline.

NM_182760.4(SUMF1):c.605C>T (p.Pro202Leu)

Gene: SUMF1 (sulfatase modifying factor 1; minus strand). Cytogenetic location: 3p26.1.
Variant type: single nucleotide variant.
Coding change: c.605C>T on transcript NM_182760.4 (MANE Select); coding-DNA position 605, C replaced by T.
Protein change: p.Pro202Leu; replaces proline 202 with leucine.
Molecular consequence: missense variant.
Genome position (GRCh38, 1-based): chr3:4,418,130, G>A on the plus strand (C>T on the coding strand, the complement: SUMF1 is on the minus strand). VCF-style: chr3-4418130-G-A. GRCh37 (hg19) VCF-style: chr3-4459814-G-A.
Other names: c.530C>T, p.Pro177Leu (NM_001164674.2); c.605C>T, p.Pro202Leu (NM_001164675.2); short protein forms P202L, P177L.
Identifiers: ClinVar variation 2081400 (VCV002081400.4), dbSNP rs147775545, ClinGen allele CA2230521.